The following is an entry in ClinVar:

ClinVar aggregate classification (germline): Pathogenic (1 of 4 stars; one submission).

Conditions:
Nephropathic cystinosis (CTNS). Also called: CYSTINOSIN, DEFECT OF; LYSOSOMAL CYSTINE TRANSPORT PROTEIN, DEFECT OF; Abderhalden Lignac Kaufmann disease; Abderhalden-Kaufmann-Lignac syndrome. Identifiers: Orphanet 213, Orphanet 411629, MedGen C2931187, MONDO:0100151, OMIM 219800.

Submission:

Precision Medicine Center, Zhengzhou University
Classification: Pathogenic for Nephropathic cystinosis. Last evaluated: 2023-12-01. Review status: criteria provided, single submitter. Criteria: ACMG Guidelines, 2015. Collection method: clinical testing. Allele origin: paternal. Affected: yes.
Comment: PVS1,PM2_p,PM3,PP4

NM_004937.3(CTNS):c.1054C>T (p.Gln352Ter)

Gene: CTNS (cystinosin, lysosomal cystine transporter; plus strand). Cytogenetic location: 17p13.2.
Variant type: single nucleotide variant.
Coding change: c.1054C>T on transcript NM_004937.3 (MANE Select); coding-DNA position 1054, C replaced by T.
Protein change: p.Gln352Ter; replaces glutamine 352 with a stop codon.
Molecular consequence: nonsense.
Genome position (GRCh38, 1-based): chr17:3,660,319, C>T. VCF-style: chr17-3660319-C-T. GRCh37 (hg19) VCF-style: chr17-3563613-C-T.
Other names: c.1054C>T, p.Gln352Ter (NM_001031681.3, NM_001374492.1); c.613C>T, p.Gln205Ter (NM_001374493.1, NM_001374494.1, NM_001374495.1 and 1 more transcripts); short protein forms Q205*, Q352*.
Identifiers: ClinVar variation 2681768 (VCV002681768.2), dbSNP rs2507794658.